The following is an entry in ClinVar:

NM_001080467.3(MYO5B):c.1207G>A (p.Ala403Thr)

Gene: MYO5B (myosin VB; minus strand). Cytogenetic location: 18q21.1.
Variant type: single nucleotide variant.
Coding change: c.1207G>A on transcript NM_001080467.3 (MANE Select); coding-DNA position 1207, G replaced by A.
Protein change: p.Ala403Thr; replaces alanine 403 with threonine.
Molecular consequence: missense variant.
Genome position (GRCh38, 1-based): chr18:49,974,465, C>T on the plus strand (G>A on the coding strand, the complement: MYO5B is on the minus strand). VCF-style: chr18-49974465-C-T. GRCh37 (hg19) VCF-style: chr18-47500835-C-T.
Other names: short protein forms A403T.
Identifiers: ClinVar variation 3401596 (VCV003401596.3).
Genomic context (GRCh38, chr18:49,974,465, plus strand): 5'-CCTTGTTGATGTGCTCCACAATCCAGCCGAACAACTGGGCATAGATGTGCTTCGCCAGGG[C>T]GTTGCGCGCATTGATCACCTGCTGCAGGGACATGGTCTTGACGTAGGTCTCCGAGGTGGT-3'
Protein context (NP_001073936.1, residues 393-413): SLQQVINARN[Ala403Thr]LAKHIYAQLF

ClinVar aggregate classification (germline): Uncertain significance. Review status: criteria provided, multiple submitters, no conflicts (2 of 4 stars). 2 submissions from 2 submitters: Uncertain significance (2). Last evaluated 2024-10-11.

Conditions:
Inborn genetic diseases. Identifiers: MedGen C0950123, MeSH D030342.

gnomAD v4.1: 11 of 1,614,152 alleles (0.00068%); highest among the groups gnomAD compares: African/African-American, 0.0027%; no homozygotes.

Submissions (2):

Ambry Genetics
Classification: Uncertain significance for Inborn genetic diseases. Last evaluated: 2024-10-11. Review status: criteria provided, single submitter. Criteria: Ambry Variant Classification Scheme 2023. Collection method: clinical testing. Allele origin: germline.

Labcorp Genetics (formerly Invitae), Labcorp
Classification: Uncertain significance. Last evaluated: 2024-05-26. Review status: criteria provided, single submitter. Criteria: Invitae Variant Classification Sherloc (09022015). Collection method: clinical testing. Allele origin: germline.
Comment: This sequence change replaces alanine, which is neutral and non-polar, with threonine, which is neutral and polar, at codon 403 of the MYO5B protein (p.Ala403Thr). This variant is present in population databases (rs529555831, gnomAD 0.003%). This variant has not been reported in the literature in individuals affected with MYO5B-related conditions. Advanced modeling of protein sequence and biophysical properties (such as structural, functional, and spatial information, amino acid conservation, physicochemical variation, residue mobility, and thermodynamic stability) performed at Invitae indicates that this missense variant is expected to disrupt MYO5B protein function with a positive predictive value of 80%. In summary, the available evidence is currently insufficient to determine the role of this variant in disease. Therefore, it has been classified as a Variant of Uncertain Significance.